The following is an entry in ClinVar:

NM_001128840.3(CACNA1D):c.2414T>C (p.Ile805Thr)

Gene: CACNA1D (calcium voltage-gated channel subunit alpha1 D; plus strand). Cytogenetic location: 3p21.1.
Variant type: single nucleotide variant.
Coding change: c.2414T>C on transcript NM_001128840.3 (MANE Select); coding-DNA position 2414, T replaced by C.
Protein change: p.Ile805Thr; replaces isoleucine 805 with threonine.
Molecular consequence: missense variant.
Genome position (GRCh38, 1-based): chr3:53,732,023, T>C. VCF-style: chr3-53732023-T-C. GRCh37 (hg19) VCF-style: chr3-53766050-T-C.
Other names: c.2474T>C, p.Ile825Thr (NM_000720.4); c.2414T>C, p.Ile805Thr (NM_001128839.3); short protein forms I805T, I825T.
Identifiers: ClinVar variation 1120068 (VCV001120068.16), dbSNP rs147933585, ClinGen allele CA2454243.

ClinVar aggregate classification (germline): Conflicting classifications of pathogenicity. Review status: criteria provided, conflicting classifications (1 of 4 stars). 4 submissions from 4 submitters: Uncertain significance (2); Likely benign (2). Last evaluated 2025-12-24.

Allele frequency attached by ClinVar (database versions not stated): ExAC 0.00012; ESP Exome Variant Server 0.00015.
gnomAD v4.1: 277 of 1,604,592 alleles (0.017%); highest among the groups gnomAD compares: Middle Eastern, 0.033%; no homozygotes.

Submissions (4):

Labcorp Genetics (formerly Invitae), Labcorp
Classification: Likely benign. Last evaluated: 2025-12-24. Review status: criteria provided, single submitter. Criteria: Invitae Variant Classification Sherloc (09022015). Collection method: clinical testing. Allele origin: germline.

GeneDx
Classification: Uncertain significance. Last evaluated: 2025-12-03. Review status: criteria provided, single submitter. Criteria: GeneDx Variant Classification Process June 2021. Collection method: clinical testing. Allele origin: germline. Affected: yes.
Comment: In silico analysis supports that this missense variant has a deleterious effect on protein structure/function; This variant is associated with the following publications: (PMID: 38473809)

Blueprint Genetics
Classification: Likely benign. Last evaluated: 2024-09-18. Review status: criteria provided, single submitter. Criteria: ACMG Guidelines, 2015. Collection method: clinical testing. Allele origin: germline.

Laboratory for Molecular Medicine, Mass General Brigham Personalized Medicine
Classification: Uncertain significance. Last evaluated: 2020-11-04. Review status: criteria provided, single submitter. Criteria: LMM Criteria. Collection method: clinical testing. Allele origin: germline. Observed: 1 variant allele.
Comment: The p.Ile825Thr variant in CACNA1D has not been previously reported in individuals with hearing loss but has been identified in 0.05% (6/10370) of Ashkenazi Jewish chromosomes by gnomAD. Computational prediction tools and conservation analyses do not provide strong support for or against an impact to the protein. In summary, the clinical significance of this variant is uncertain. ACMG/AMP Criteria applied: PM2_Supporting.